The following is an entry in ClinVar:

ClinVar aggregate classification (germline): Pathogenic/Likely pathogenic. Review status: criteria provided, multiple submitters, no conflicts (2 of 4 stars). 2 submissions from 2 submitters: Pathogenic (1); Likely pathogenic (1). Last evaluated 2023-06-27.

Conditions:
Hereditary fructosuria. Also called: ALDOB DEFICIENCY; ALDOLASE B DEFICIENCY; FRUCTOSE-1,6-BISPHOSPHATE ALDOLASE B DEFICIENCY; FRUCTOSE-1-PHOSPHATE ALDOLASE DEFICIENCY; FRUCTOSEMIA; Fructose intolerance. Identifiers: Orphanet 469, MedGen C0016751, MONDO:0009249, OMIM 229600, HP:0005973. Disease mechanism: loss of function.

Allele frequency attached by ClinVar (database versions not stated): gnomAD exomes below 0.00001.
gnomAD v4.1: 1 of 1,614,180 alleles (0.000062%); highest among the groups gnomAD compares: Admixed American, 0.0017%; no homozygotes.

Submissions (2):

Labcorp Genetics (formerly Invitae), Labcorp
Classification: Pathogenic for Hereditary fructosuria. Last evaluated: 2023-06-27. Review status: criteria provided, single submitter. Criteria: Invitae Variant Classification Sherloc (09022015). Collection method: clinical testing. Allele origin: germline.
Comment: This sequence change creates a premature translational stop signal (p.Gln248*) in the ALDOB gene. It is expected to result in an absent or disrupted protein product. Loss-of-function variants in ALDOB are known to be pathogenic (PMID: 18541450). This variant is present in population databases (no rsID available, gnomAD 0.003%). This variant has not been reported in the literature in individuals affected with ALDOB-related conditions. For these reasons, this variant has been classified as Pathogenic.

Baylor Genetics
Classification: Likely pathogenic for Hereditary fructosuria. Last evaluated: 2023-05-25. Review status: criteria provided, single submitter. Criteria: ACMG Guidelines, 2015. Collection method: clinical testing. Allele origin: unknown.

Literature cited by the submitters: PubMed 18541450 (cited by Labcorp Genetics (formerly Invitae), Labcorp).

NM_000035.4(ALDOB):c.742C>T (p.Gln248Ter)

Gene: ALDOB (aldolase, fructose-bisphosphate B; minus strand). Cytogenetic location: 9q31.1.
Variant type: single nucleotide variant.
Coding change: c.742C>T on transcript NM_000035.4 (MANE Select); coding-DNA position 742, C replaced by T.
Protein change: p.Gln248Ter; replaces glutamine 248 with a stop codon.
Molecular consequence: nonsense.
Genome position (GRCh38, 1-based): chr9:101,425,510, G>A on the plus strand (C>T on the coding strand, the complement: ALDOB is on the minus strand). VCF-style: chr9-101425510-G-A. GRCh37 (hg19) VCF-style: chr9-104187792-G-A.
Other names: short protein forms Q248*.
Identifiers: ClinVar variation 2675487 (VCV002675487.4), dbSNP rs1163091441, ClinGen allele CA374264718.